The following is an entry in ClinVar:

ClinVar aggregate classification (germline): Uncertain significance (1 of 4 stars; one submission).

Allele frequency attached by ClinVar (database versions not stated): ExAC 0.00001.
gnomAD v4.1: 22 of 1,614,162 alleles (0.0014%); highest among the groups gnomAD compares: East Asian, 0.0022%; no homozygotes.

Submission:

Labcorp Genetics (formerly Invitae), Labcorp
Classification: Uncertain significance. Last evaluated: 2024-02-17. Review status: criteria provided, single submitter. Criteria: Invitae Variant Classification Sherloc (09022015). Collection method: clinical testing. Allele origin: germline.
Comment: This sequence change replaces arginine, which is basic and polar, with cysteine, which is neutral and slightly polar, at codon 1120 of the PCNT protein (p.Arg1120Cys). This variant is present in population databases (rs375135272, gnomAD 0.01%). This variant has not been reported in the literature in individuals affected with PCNT-related conditions. ClinVar contains an entry for this variant (Variation ID: 1478337). An algorithm developed to predict the effect of missense changes on protein structure and function (PolyPhen-2) suggests that this variant is likely to be disruptive. In summary, the available evidence is currently insufficient to determine the role of this variant in disease. Therefore, it has been classified as a Variant of Uncertain Significance.

NM_006031.6(PCNT):c.3358C>T (p.Arg1120Cys)

Gene: PCNT (pericentrin; plus strand). Cytogenetic location: 21q22.3.
Variant type: single nucleotide variant.
Coding change: c.3358C>T on transcript NM_006031.6 (MANE Select); coding-DNA position 3358, C replaced by T.
Protein change: p.Arg1120Cys; replaces arginine 1120 with cysteine.
Molecular consequence: missense variant.
Genome position (GRCh38, 1-based): chr21:46,385,877, C>T. VCF-style: chr21-46385877-C-T. GRCh37 (hg19) VCF-style: chr21-47805792-C-T.
Other names: c.3004C>T, p.Arg1002Cys (NM_001315529.2); short protein forms R1002C, R1120C.
Identifiers: ClinVar variation 1478337 (VCV001478337.5), dbSNP rs375135272, ClinGen allele CA10079271.
Genomic context (GRCh38, chr21:46,385,877, plus strand): 5'-CATTTTTCTCGATAGCTGAAAGACCAGGTTTTATCCTTAAGTCACGAGATAGAAGAGTGC[C>T]GCTCCGAGTTGGAGGTGCTGCAGCAGAGGCGGGAGCGGGAGAACCGGGAAGGCGCAAACC-3'
Protein context (NP_006022.3, residues 1110-1130): LSLSHEIEEC[Arg1120Cys]SELEVLQQRR